The following is an entry in ClinVar:

NM_001282225.2(ADA2):c.688C>T (p.Arg230Trp)

Gene: ADA2 (adenosine deaminase 2; minus strand). Cytogenetic location: 22q11.1.
Variant type: single nucleotide variant.
Coding change: c.688C>T on transcript NM_001282225.2 (MANE Select); coding-DNA position 688, C replaced by T.
Protein change: p.Arg230Trp; replaces arginine 230 with tryptophan.
Molecular consequence: missense variant.
Genome position (GRCh38, 1-based): chr22:17,203,628, G>A on the plus strand (C>T on the coding strand, the complement: ADA2 is on the minus strand). VCF-style: chr22-17203628-G-A. GRCh37 (hg19) VCF-style: chr22-17684518-G-A.
Other names: c.688C>T, p.Arg230Trp (NM_001282226.2); c.562C>T, p.Arg188Trp (NM_001282227.2, NM_001282228.2); c.328C>T, p.Arg110Trp (NM_001282229.2); short protein forms R110W, R188W, R230W.
Identifiers: ClinVar variation 655737 (VCV000655737.10), dbSNP rs777662147, ClinGen allele CA321162760.

ClinVar aggregate classification (germline): Uncertain significance. Review status: criteria provided, multiple submitters, no conflicts (2 of 4 stars). 2 submissions from 2 submitters: Uncertain significance (2). Last evaluated 2024-12-31.

Conditions:
Sneddon syndrome (SNDNS). Also called: LIVEDO RETICULARIS AND CEREBROVASCULAR ACCIDENTS; Idiopathic livedo reticularis with systemic involvement. Identifiers: Orphanet 820, MedGen C0282492, MONDO:0008436, OMIM 182410.
Deficiency of adenosine deaminase 2. Also called: Polyarteritis nodosa, childhoood-onset; Adenosine Deaminase 2 Deficiency; VASCULITIS, AUTOINFLAMMATION, IMMUNODEFICIENCY, AND HEMATOLOGIC DEFECTS SYNDROME. Identifiers: Orphanet 404553, MedGen C3887654, MONDO:0014306, OMIM 615688, MONDO:0100317.

Allele frequency attached by ClinVar (database versions not stated): gnomAD exomes 0.00002; TOPMed 0.00002; gnomAD 0.00001.

Submissions (2):

Labcorp Genetics (formerly Invitae), Labcorp
Classification: Uncertain significance for Deficiency of adenosine deaminase 2. Last evaluated: 2024-12-31. Review status: criteria provided, single submitter. Criteria: Invitae Variant Classification Sherloc (09022015). Collection method: clinical testing. Allele origin: germline.
Comment: This sequence change replaces arginine, which is basic and polar, with tryptophan, which is neutral and slightly polar, at codon 230 of the ADA2 protein (p.Arg230Trp). This variant is present in population databases (rs777662147, gnomAD 0.006%). This variant has not been reported in the literature in individuals affected with ADA2-related conditions. ClinVar contains an entry for this variant (Variation ID: 655737). Invitae Evidence Modeling of protein sequence and biophysical properties (such as structural, functional, and spatial information, amino acid conservation, physicochemical variation, residue mobility, and thermodynamic stability) has been performed for this missense variant. However, the output from this modeling did not meet the statistical confidence thresholds required to predict the impact of this variant on ADA2 protein function. Experimental studies have shown that this missense change affects ADA2 function (PMID: 34004258). In summary, the available evidence is currently insufficient to determine the role of this variant in disease. Therefore, it has been classified as a Variant of Uncertain Significance.

Fulgent Genetics
Classification: Uncertain significance for Sneddon syndrome; Deficiency of adenosine deaminase 2. Last evaluated: 2022-05-19. Review status: criteria provided, single submitter. Criteria: ACMG Guidelines, 2015. Collection method: clinical testing. Allele origin: unknown.

Literature cited by the submitters: PubMed 34004258 (cited by Labcorp Genetics (formerly Invitae), Labcorp).